The following is an entry in ClinVar:

NM_172351.3(CD46):c.830A>C (p.Asp277Ala)

Gene: CD46 (CD46 molecule; plus strand). Cytogenetic location: 1q32.2.
Variant type: single nucleotide variant.
Coding change: c.830A>C on transcript NM_172351.3 (MANE Select); coding-DNA position 830, A replaced by C.
Protein change: p.Asp277Ala; replaces aspartic acid 277 with alanine.
Molecular consequence: missense variant.
Genome position (GRCh38, 1-based): chr1:207,767,169, A>C. VCF-style: chr1-207767169-A-C. GRCh37 (hg19) VCF-style: chr1-207940514-A-C.
Other names: c.830A>C, p.Asp277Ala (NM_002389.4, NM_153826.4, NM_172350.3 and 8 more transcripts); short protein forms D277A.
Identifiers: ClinVar variation 4291186 (VCV004291186.1).

ClinVar aggregate classification (germline): Uncertain significance (1 of 4 stars; one submission).

Conditions:
Atypical hemolytic-uremic syndrome. Identifiers: Orphanet 2134, MedGen C2931788, MONDO:0016244.

Submission:

Genomenon, Inc
Classification: Uncertain significance for Atypical hemolytic-uremic syndrome. Last evaluated: 2025-10-02. Review status: criteria provided, single submitter. Criteria: Genomenon Sequence Variant Interpretation Standards. Collection method: curation. Allele origin: germline. Affected: no.
Comment: CD46 p.Asp277Ala (c.830A>C) is a missense variant that changes the amino acid at residue 277 from Aspartic acid to Alanine. This variant has been reported in the published literature (PMID:10960475). It is absent or not present at a significant frequency in gnomAD. In silico models agree that this variant is not damaging. In conclusion, we classify CD46 p.Asp277Ala (c.830A>C) as a variant of uncertain significance.

Literature cited by the submitters: PubMed 10960475.